The following is an entry in ClinVar:

NM_000441.2(SLC26A4):c.1975G>C (p.Val659Leu)

Gene: SLC26A4 (solute carrier family 26 member 4; plus strand). Cytogenetic location: 7q22.3.
Variant type: single nucleotide variant.
Coding change: c.1975G>C on transcript NM_000441.2 (MANE Select); coding-DNA position 1975, G replaced by C.
Protein change: p.Val659Leu; replaces valine 659 with leucine.
Molecular consequence: missense variant.
Genome position (GRCh38, 1-based): chr7:107,701,998, G>C. VCF-style: chr7-107701998-G-C. GRCh37 (hg19) VCF-style: chr7-107342443-G-C.
Other names: short protein forms V659L.
Identifiers: ClinVar variation 188889 (VCV000188889.30), dbSNP rs200455203, ClinGen allele CA274086.

ClinVar aggregate classification (germline): Pathogenic. Review status: criteria provided, multiple submitters, no conflicts (2 of 4 stars). 14 submissions from 13 submitters: Pathogenic (11). 3 of the submissions do not count toward it. Last evaluated 2025-11-13.

Conditions:
SLC26A4-related disorder. Also called: SLC26A4-related condition; SLC26A4-related disorders.
Pendred syndrome (PDS). Also called: Pendred's syndrome; THYROID DYSHORMONOGENESIS 2B; THYROID HORMONOGENESIS, GENETIC DEFECT IN, 2B; Pendred Syndrome (PDS); DEAFNESS WITH GOITER; GOITER-DEAFNESS SYNDROME. Identifiers: Orphanet 705, MedGen C0271829, MONDO:0010134, OMIM 274600.
Autosomal recessive nonsyndromic hearing loss 4 (DFNB4). Also called: FOXI1-Related Pendred Syndrome; KCNJ10-Related Pendred Syndrome; DEAFNESS, AUTOSOMAL RECESSIVE 4, WITH ENLARGED VESTIBULAR AQUEDUCT, DIGENIC; NEUROSENSORY NONSYNDROMIC RECESSIVE DEAFNESS 4; Deafness, autosomal recessive 4; Enlarged vestibular aqueduct, digenic. Identifiers: Orphanet 90636, MedGen C3538946, MONDO:0010933, OMIM 600791.

Allele frequency attached by ClinVar (database versions not stated): gnomAD exomes below 0.00001 and 0.00001; ExAC 0.00001; gnomAD 0.00001 and 0.00002; TOPMed 0.00001; 1000 Genomes Project 30x 0.00016; 1000 Genomes Project 0.00020.
gnomAD v4.1: 10 of 1,614,090 alleles (0.00062%); highest among the groups gnomAD compares: East Asian, 0.022%; no homozygotes.

Submissions (14):

Natera, Inc.
Classification: Pathogenic for Pendred syndrome. Last evaluated: 2025-11-13. Review status: criteria provided, single submitter. Criteria: Natera Variant Classification Schema (03/2026). Collection method: clinical testing. Allele origin: germline.
Comment: The c.1975G>C variant in SLC26A4 is a missense variant predicted to cause substitution of valine to leucine at amino acid 659. This variant is rare in the general population with a frequency below the threshold expected for the associated phenotype(s). This variant has been observed in one or more individuals affected with the associated recessive disease, as either homozygous or compound heterozygous with a second variant (PMID: 17443271, 21961810, 31541171). Additionally, this variant has been observed to segregate in affected family members (PMID: 17443271). This variant has been found together with another disease-causing variant in the same copy of the gene (PMID: 32447495). Computational prediction algorithms indicate this variant is likely to affect gene or protein function. Given the available evidence, this variant is classified as Pathogenic.

Women's Health and Genetics/Laboratory Corporation of America, LabCorp
Classification: Pathogenic for Pendred syndrome. Last evaluated: 2025-06-23. Review status: criteria provided, single submitter. Criteria: LabCorp Variant Classification Summary - May 2015. Collection method: clinical testing. Allele origin: germline.
Comment: Variant summary: SLC26A4 c.1975G>C (p.Val659Leu) results in a conservative amino acid change in the encoded protein sequence. Algorithms developed to predict the effect of missense changes on protein structure and function are either unavailable or do not agree on the potential impact of this missense change. The variant allele was found at a frequency of 8e-06 in 251206 control chromosomes. c.1975G>C has been observed in the presumed compound heterozygous state in multiple individuals affected with clinical features of Pendred syndrome (Zhu_2022, Gao_2016). These data indicate that the variant is very likely to be associated with disease. To our knowledge, no experimental evidence demonstrating an impact on protein function has been reported. The following publications have been ascertained in the context of this evaluation (PMID: 35816303, 27792752). ClinVar contains an entry for this variant (Variation ID: 188889). Based on the evidence outlined above, the variant was classified as pathogenic.

Labcorp Genetics (formerly Invitae), Labcorp
Classification: Pathogenic. Last evaluated: 2025-03-29. Review status: criteria provided, single submitter. Criteria: Invitae Variant Classification Sherloc (09022015). Collection method: clinical testing. Allele origin: germline.
Comment: This sequence change replaces valine, which is neutral and non-polar, with leucine, which is neutral and non-polar, at codon 659 of the SLC26A4 protein (p.Val659Leu). This variant is present in population databases (rs200455203, gnomAD 0.02%). This missense change has been observed in individual(s) with enlarged vestibular aqueduct (PMID: 17443271, 21366435, 21961810, 22289209, 23385134, 25266519, 25372295, 26100058). In at least one individual the data is consistent with being in trans (on the opposite chromosome) from a pathogenic variant. ClinVar contains an entry for this variant (Variation ID: 188889). Invitae Evidence Modeling of protein sequence and biophysical properties (such as structural, functional, and spatial information, amino acid conservation, physicochemical variation, residue mobility, and thermodynamic stability) has been performed for this missense variant. However, the output from this modeling did not meet the statistical confidence thresholds required to predict the impact of this variant on SLC26A4 protein function. For these reasons, this variant has been classified as Pathogenic.

Fulgent Genetics
Classification: Pathogenic for Pendred syndrome; Autosomal recessive nonsyndromic hearing loss 4. Last evaluated: 2024-03-26. Review status: criteria provided, single submitter. Criteria: ACMG Guidelines, 2015. Collection method: clinical testing. Allele origin: germline.

Baylor Genetics
Classification: Pathogenic for Autosomal recessive nonsyndromic hearing loss 4. Last evaluated: 2024-02-20. Review status: criteria provided, single submitter. Criteria: ACMG Guidelines, 2015. Collection method: clinical testing. Allele origin: unknown.

Blueprint Genetics
Classification: Pathogenic for SLC26A4-related disorders. Last evaluated: 2023-01-25. Review status: criteria provided, single submitter. Criteria: ACMG Guidelines, 2015. Collection method: clinical testing. Allele origin: germline. Affected: yes. Observed: 3 variant alleles.

Revvity Omics, Revvity
Classification: Pathogenic. Last evaluated: 2022-06-10. Review status: criteria provided, single submitter. Criteria: ACMG Guidelines, 2015. Collection method: clinical testing. Allele origin: germline.

Genome-Nilou Lab
Classification: Pathogenic for Autosomal recessive nonsyndromic hearing loss 4. Last evaluated: 2021-09-05. Review status: criteria provided, single submitter. Criteria: ACMG Guidelines, 2015. Collection method: clinical testing. Allele origin: germline. Affected: no.

Genome-Nilou Lab
Classification: Pathogenic for Pendred syndrome. Last evaluated: 2021-09-05. Review status: criteria provided, single submitter. Criteria: ACMG Guidelines, 2015. Collection method: clinical testing. Allele origin: germline. Affected: no.

Division of Hearing and Balance Research, National Hospital Organization Tokyo Medical Center
Classification: Pathogenic for Autosomal recessive nonsyndromic hearing loss 4. Last evaluated: 2017-07-01. Review status: criteria provided, single submitter. Criteria: Submitter's publication. Collection method: clinical testing. Allele origin: germline. Affected: yes. Observed: 1 variant allele.

Juno Genomics, Hangzhou Juno Genomics, Inc
Classification: Pathogenic for Autosomal recessive nonsyndromic hearing loss 4; Pendred syndrome. Review status: criteria provided, single submitter. Criteria: ACMG Guidelines, 2015. Collection method: clinical testing. Allele origin: germline. Affected: yes.
Comment: For recessive disorders, detected in trans with a pathogenic variant.;Well-established in vitro or in vivo functional studies supportive of a damaging effect on the gene or gene product.

National Institute of Sensory Organs, National Hospital Organization Tokyo Medical Center
Classification: Affects for Autosomal recessive nonsyndromic hearing loss 4. Last evaluated: 2019-08-20. Review status: no assertion criteria provided. Collection method: clinical testing, in vitro. Allele origin: inherited, germline. Inheritance: Autosomal recessive inheritance. Affected: yes. Functional consequence: loss_of_function_variant. Not counted in ClinVar's aggregate classification.
Comment: in vitro experiment

Genetic Testing Center for Deafness, Department of Otolaryngology Head & Neck Surgery, Institute of Otolaryngology, Chinese PLA General Hospital
Classification: Likely pathogenic for Autosomal recessive nonsyndromic hearing loss 4. Last evaluated: 2019-02-26. Review status: no assertion criteria provided. Collection method: case-control. Allele origin: inherited. Affected: yes. Observed: 18 variant alleles. Clinical features observed: hearing loss. Not counted in ClinVar's aggregate classification.

Counsyl
Classification: Likely pathogenic for Pendred's syndrome. Last evaluated: 2014-07-17. Review status: no assertion criteria provided. Collection method: literature only. Allele origin: unknown. Inheritance: Autosomal recessive inheritance. Not counted in ClinVar's aggregate classification.

Literature cited by the submitters: PubMed 17443271 (cited by 4 submitters); PubMed 21961810 (cited by 4 submitters); PubMed 31541171 (cited by Natera, Inc.); PubMed 32447495 (cited by Natera, Inc.); PubMed 27792752 (cited by Women's Health and Genetics/Laboratory Corporation of America, LabCorp); PubMed 35816303 (cited by Women's Health and Genetics/Laboratory Corporation of America, LabCorp); PubMed 21366435 (cited by Labcorp Genetics (formerly Invitae), Labcorp); PubMed 22289209 (cited by Labcorp Genetics (formerly Invitae), Labcorp); PubMed 23385134 (cited by Labcorp Genetics (formerly Invitae), Labcorp); PubMed 25266519 (cited by Labcorp Genetics (formerly Invitae), Labcorp and National Institute of Sensory Organs, National Hospital Organization Tokyo Medical Center); PubMed 25372295 (cited by Labcorp Genetics (formerly Invitae), Labcorp); PubMed 26100058 (cited by Labcorp Genetics (formerly Invitae), Labcorp); PubMed 31599023 (cited by National Institute of Sensory Organs, National Hospital Organization Tokyo Medical Center); PubMed 23638949 (cited by Counsyl); PubMed 24341454 (cited by Counsyl); PubMed 18274916 (cited by Counsyl); PubMed 19645628 (cited by Counsyl); PubMed 19040761 (cited by Counsyl); PubMed 24599119 (cited by Counsyl); PubMed 19744334 (cited by Counsyl); PubMed 24612839 (cited by Counsyl); PubMed 23151025 (cited by Counsyl); PubMed 22384008 (cited by Counsyl); PubMed 23918157 (cited by Counsyl); PubMed 17718863 (cited by Counsyl).